The following is an entry in ClinVar:

ClinVar aggregate classification (germline): Uncertain significance (1 of 4 stars; one submission).

Conditions:
Hereditary sensory and autonomic neuropathy type 7. Also called: Neuropathy, hereditary sensory and autonomic, type VII; HSAN VII. Identifiers: Orphanet 391397, MedGen C3809882, MONDO:0014244, OMIM 615548.
Familial episodic pain syndrome with predominantly lower limb involvement. Also called: Episodic pain syndrome, familial, 3. Identifiers: Orphanet 391384, Orphanet 391392, MedGen C3809899, MONDO:0014247, OMIM 615552.

gnomAD v4.1: 2 of 1,581,904 alleles (0.00013%); highest among the groups gnomAD compares: Non-Finnish European, 0.00017%; no homozygotes.

Submission:

Labcorp Genetics (formerly Invitae), Labcorp
Classification: Uncertain significance for Familial episodic pain syndrome with predominantly lower limb involvement; Hereditary sensory and autonomic neuropathy type 7. Last evaluated: 2019-12-13. Review status: criteria provided, single submitter. Criteria: Invitae Variant Classification Sherloc (09022015). Collection method: clinical testing. Allele origin: germline.
Comment: In summary, the available evidence is currently insufficient to determine the role of this variant in disease. Therefore, it has been classified as a Variant of Uncertain Significance. Algorithms developed to predict the effect of missense changes on protein structure and function (SIFT, PolyPhen-2, Align-GVGD) all suggest that this variant is likely to be disruptive, but these predictions have not been confirmed by published functional studies and their clinical significance is uncertain. This variant has not been reported in the literature in individuals with SCN11A-related conditions. This variant is not present in population databases (ExAC no frequency). This sequence change replaces lysine with asparagine at codon 1354 of the SCN11A protein (p.Lys1354Asn). The lysine residue is highly conserved and there is a moderate physicochemical difference between lysine and asparagine.

NM_001349253.2(SCN11A):c.4062A>T (p.Lys1354Asn)

Gene: SCN11A (sodium voltage-gated channel alpha subunit 11; minus strand). Cytogenetic location: 3p22.2.
Variant type: single nucleotide variant.
Coding change: c.4062A>T on transcript NM_001349253.2 (MANE Select); coding-DNA position 4062, A replaced by T.
Protein change: p.Lys1354Asn; replaces lysine 1354 with asparagine.
Molecular consequence: missense variant.
Genome position (GRCh38, 1-based): chr3:38,850,746, T>A on the plus strand (A>T on the coding strand, the complement: SCN11A is on the minus strand). VCF-style: chr3-38850746-T-A. GRCh37 (hg19) VCF-style: chr3-38892237-T-A.
Other names: c.4062A>T, p.Lys1354Asn (NM_014139.3); short protein forms K1354N.
Identifiers: ClinVar variation 846005 (VCV000846005.6), dbSNP rs2064764771, ClinGen allele CA352166100.